The following is an entry in ClinVar:

ClinVar aggregate classification (germline): Uncertain significance (1 of 4 stars; one submission).

Submission:

GeneDx
Classification: Uncertain significance. Last evaluated: 2019-10-22. Review status: criteria provided, single submitter. Criteria: GeneDx Variant Classification Process June 2021. Collection method: clinical testing. Allele origin: germline. Affected: yes.
Comment: Not observed at a significant frequency in large population cohorts (Lek et al., 2016); In-frame deletion of 1 amino acids in a non-repeat region; In silico analysis, which includes protein predictors and evolutionary conservation, supports that this variant does not alter protein structure/function; Has not been previously published as pathogenic or benign to our knowledge

NM_001142416.2(AIMP1):c.397AAG[1] (p.Lys134del)

Gene: AIMP1 (aminoacyl tRNA synthetase complex interacting multifunctional protein 1; plus strand). Cytogenetic location: 4q24.
Variant type: Microsatellite.
Coding change: c.397AAG[1] on transcript NM_001142416.2 (MANE Select); one copy of the 3-base unit AAG starting at c.397; the reference has two copies in a row; one copy, 3 bases deleted.
Protein change: p.Lys134del; deletes lysine 134.
Molecular consequence: inframe deletion.
Genome position (GRCh38, 1-based): chr4:106,331,680-106,331,682, AAG deleted; deleting any 3 consecutive bases within chr4:106,331,675-106,331,682 gives the same sequence; the position shown is the placement nearest the transcript's 3' end. VCF-style (leftmost placement, unchanged base first): chr4-106331674-GAGA-G. GRCh37 (hg19) VCF-style: chr4-107252831-GAGA-G.
Other names: c.400_402delAAG (NM_004757.3); c.397AAG[1], p.Lys134del (NM_001142415.2, NM_004757.4); short protein forms K134del.
Identifiers: ClinVar variation 503844 (VCV000503844.3), dbSNP rs1217603004, ClinGen allele CA553860173.
Genomic context (GRCh38, chr4:106,331,674, plus strand): 5'-TAGTGTTTTTTTGCTTGGTTTTATTTCTGATGTTTACCCATTCATAAATACTTTTTAGGA[GAGA>G]AGAAGGAGAAAAAACAGCAATCAATAGCTGGAAGTGCCGACTCTAAGCCAATAGATGTTT-3'